The following is an entry in ClinVar:

NM_000057.4(BLM):c.1169A>C (p.Lys390Thr)

Gene: BLM (BLM RecQ like helicase; plus strand). Cytogenetic location: 15q26.1.
Variant type: single nucleotide variant.
Coding change: c.1169A>C on transcript NM_000057.4 (MANE Select); coding-DNA position 1169, A replaced by C.
Protein change: p.Lys390Thr; replaces lysine 390 with threonine.
Molecular consequence: missense variant.
Genome position (GRCh38, 1-based): chr15:90,760,228, A>C. VCF-style: chr15-90760228-A-C. GRCh37 (hg19) VCF-style: chr15-91303458-A-C.
Other names: c.1169A>C, p.Lys390Thr (NM_001287246.2, NM_001287247.2); c.44A>C, p.Lys15Thr (NM_001287248.2); short protein forms K15T, K390T.
Identifiers: ClinVar variation 818477 (VCV000818477.10), dbSNP rs1596228946, ClinGen allele CA393842464.
Genomic context (GRCh38, chr15:90,760,228, plus strand): 5'-AGCAGCTTATTCATGTGATGGAGCACATCTGTAAATTAATTGATACTATTCCTGATGATA[A>C]ACTGAAACTTTTGGATTGTGGGAACGAACTGCTTCAGCAGCGGAACATAAGGTATCTTAA-3'
Protein context (NP_000048.1, residues 380-400): CKLIDTIPDD[Lys390Thr]LKLLDCGNEL

ClinVar aggregate classification (germline): Uncertain significance. Review status: criteria provided, multiple submitters, no conflicts (2 of 4 stars). 2 submissions from 2 submitters: Uncertain significance (2). Last evaluated 2025-08-29.

Conditions:
Hereditary cancer-predisposing syndrome. Also called: Tumor predisposition; Hereditary neoplastic syndrome; Neoplastic Syndromes, Hereditary; Hereditary Cancer Syndrome. Identifiers: Orphanet 140162, MedGen C0027672, MeSH D009386, MONDO:0015356.
Bloom syndrome (BLM). Also called: Bloom-Torre-Machacek syndrome. Identifiers: Orphanet 125, MedGen C0005859, MONDO:0008876, OMIM 210900.

Allele frequency attached by ClinVar (database versions not stated): gnomAD exomes below 0.00001.

Submissions (2):

Ambry Genetics
Classification: Uncertain significance for Hereditary cancer-predisposing syndrome. Last evaluated: 2025-08-29. Review status: criteria provided, single submitter. Criteria: Ambry Variant Classification Scheme 2023. Collection method: clinical testing. Allele origin: germline.
Comment: The p.K390T variant (also known as c.1169A>C), located in coding exon 5 of the BLM gene, results from an A to C substitution at nucleotide position 1169. The lysine at codon 390 is replaced by threonine, an amino acid with similar properties. This amino acid position is poorly conserved in available vertebrate species. In addition, this alteration is predicted to be tolerated by in silico analysis. Since supporting evidence is limited at this time, the clinical significance of this alteration remains unclear.

Labcorp Genetics (formerly Invitae), Labcorp
Classification: Uncertain significance for Bloom syndrome. Last evaluated: 2022-01-14. Review status: criteria provided, single submitter. Criteria: Invitae Variant Classification Sherloc (09022015). Collection method: clinical testing. Allele origin: germline.
Comment: This sequence change replaces lysine, which is basic and polar, with threonine, which is neutral and polar, at codon 390 of the BLM protein (p.Lys390Thr). This variant is not present in population databases (gnomAD no frequency). This variant has not been reported in the literature in individuals affected with BLM-related conditions. ClinVar contains an entry for this variant (Variation ID: 818477). Algorithms developed to predict the effect of missense changes on protein structure and function (SIFT, PolyPhen-2, Align-GVGD) all suggest that this variant is likely to be tolerated. In summary, the available evidence is currently insufficient to determine the role of this variant in disease. Therefore, it has been classified as a Variant of Uncertain Significance.